The following is an entry in ClinVar:

NM_003620.4(PPM1D):c.1474A>G (p.Asn492Asp)

Gene: PPM1D (protein phosphatase, Mg2+/Mn2+ dependent 1D; plus strand). Cytogenetic location: 17q23.2.
Variant type: single nucleotide variant.
Coding change: c.1474A>G on transcript NM_003620.4 (MANE Select); coding-DNA position 1474, A replaced by G.
Protein change: p.Asn492Asp; replaces asparagine 492 with aspartic acid.
Molecular consequence: missense variant.
Genome position (GRCh38, 1-based): chr17:60,663,208, A>G. VCF-style: chr17-60663208-A-G. GRCh37 (hg19) VCF-style: chr17-58740569-A-G.
Other names: short protein forms N492D.
Identifiers: ClinVar variation 3766378 (VCV003766378.1).

ClinVar aggregate classification (germline): Uncertain significance (1 of 4 stars; one submission).

Submission:

GeneDx
Classification: Uncertain significance. Last evaluated: 2024-08-29. Review status: criteria provided, single submitter. Criteria: GeneDx Variant Classification Process June 2021. Collection method: clinical testing. Allele origin: germline. Affected: yes.
Comment: Not observed at significant frequency in large population cohorts (gnomAD); In silico analysis indicates that this missense variant does not alter protein structure/function; Has not been previously published as pathogenic or benign to our knowledge